The following is an entry in ClinVar:

NM_001321075.3(DLG4):c.462G>A (p.Pro154=)

Gene: DLG4 (discs large MAGUK scaffold protein 4; minus strand). Cytogenetic location: 17p13.1.
Variant type: single nucleotide variant.
Coding change: c.462G>A on transcript NM_001321075.3 (MANE Select); coding-DNA position 462, G replaced by A.
Protein change: p.Pro154=; no amino-acid change (proline 154 retained).
Molecular consequence: synonymous variant. On other transcripts: non-coding transcript variant (1).
Genome position (GRCh38, 1-based): chr17:7,203,467, C>T on the plus strand (G>A on the coding strand, the complement: DLG4 is on the minus strand). VCF-style: chr17-7203467-C-T. GRCh37 (hg19) VCF-style: chr17-7106786-C-T.
Other names: c.453G>A, p.Pro151= (NM_001128827.4); c.582G>A, p.Pro194= (NM_001321074.1); c.282G>A, p.Pro94= (NM_001321076.3, NM_001321077.3); c.591G>A, p.Pro197= (NM_001365.5); c.381G>A, p.Pro127= (NM_001369566.3).
Identifiers: ClinVar variation 2647320 (VCV002647320.25), dbSNP rs201426589, ClinGen allele CA8337190.

ClinVar aggregate classification (germline): Likely benign. Review status: criteria provided, multiple submitters, no conflicts (2 of 4 stars). 2 submissions from 2 submitters: Likely benign (2). Last evaluated 2026-07-01.

Allele frequency attached by ClinVar (database versions not stated): 1000 Genomes Project 0.00060; 1000 Genomes Project 30x 0.00062; ExAC 0.00076; gnomAD 0.00079; TOPMed 0.00104; ESP Exome Variant Server 0.00122.
gnomAD v4.1: 1,050 of 1,612,532 alleles (0.065%); highest among the groups gnomAD compares: Middle Eastern, 0.3%; 3 homozygotes.

Submissions (2):

CeGaT Center for Human Genetics Tuebingen
Classification: Likely benign. Last evaluated: 2026-07-01. Review status: criteria provided, single submitter. Criteria: CeGaT Center For Human Genetics Tuebingen Variant Classification Criteria Version 2. Collection method: clinical testing. Allele origin: germline. Affected: yes. Observed: 3 variant alleles.
Comment: DLG4: BP4, BP7

Blueprint Genetics
Classification: Likely benign. Last evaluated: 2024-11-12. Review status: criteria provided, single submitter. Criteria: ACMG Guidelines, 2015. Collection method: clinical testing. Allele origin: germline.